The following is an entry in ClinVar:

NM_001042545.2(LTBP4):c.4037dup (p.Arg1347fs)

Gene: LTBP4 (latent transforming growth factor beta binding protein 4; plus strand). Cytogenetic location: 19q13.2.
Variant type: Duplication.
Coding change: c.4037dup on transcript NM_001042545.2 (MANE Select); coding-DNA position 4037, one base duplicated (C; older notation c.4037dupC).
Protein change: p.Arg1347fs; shifts the reading frame from arginine 1347.
Molecular consequence: frameshift variant.
Genome position (GRCh38, 1-based): chr19:40,627,026, C duplicated; the last of 6 consecutive C bases (chr19:40,627,021-40,627,026); duplicating any one gives the same sequence. VCF-style (leftmost placement, unchanged base first): chr19-40627020-G-GC. GRCh37 (hg19) VCF-style: chr19-41132925-G-GC.
Other names: c.4238dup, p.Arg1414fs (NM_001042544.1); c.4127dup, p.Arg1377fs (NM_003573.2); short protein forms R1377fs, R1414fs, R1347fs.
Identifiers: ClinVar variation 5399 (VCV000005399.7), dbSNP rs606231161, ClinGen allele CA212833.

ClinVar aggregate classification (germline): Pathogenic/Likely pathogenic. Review status: criteria provided, multiple submitters, no conflicts (2 of 4 stars). 3 submissions from 3 submitters: Pathogenic (1); Likely pathogenic (1). 1 of the submissions does not count toward it. Last evaluated 2023-08-04.

Conditions:
Cutis laxa with severe pulmonary, gastrointestinal and urinary anomalies. Also called: URBAN-RIFKIN-DAVIS SYNDROME; Cutis laxa, autosomal recessive, type IC; LTBP4-Related Cutis Laxa. Identifiers: Orphanet 221145, MedGen C2750804, MONDO:0013170, OMIM 613177. Disease mechanism: loss of function.

Submissions (3):

Labcorp Genetics (formerly Invitae), Labcorp
Classification: Pathogenic. Last evaluated: 2023-08-04. Review status: criteria provided, single submitter. Criteria: Invitae Variant Classification Sherloc (09022015). Collection method: clinical testing. Allele origin: germline.
Comment: For these reasons, this variant has been classified as Pathogenic. Studies have shown that this premature translational stop signal does not significantly alter or has an unclear effect on LTBP4 gene expression (PMID: 22829427). ClinVar contains an entry for this variant (Variation ID: 5399). This variant is also known as c.4128insC (p.P1376fsX1403). This premature translational stop signal has been observed in individual(s) with cutis laxa (PMID: 19836010, 25882708). This variant is not present in population databases (gnomAD no frequency). This sequence change creates a premature translational stop signal (p.Arg1377Alafs*27) in the LTBP4 gene. It is expected to result in an absent or disrupted protein product. Loss-of-function variants in LTBP4 are known to be pathogenic (PMID: 19836010, 22829427).

GeneDx
Classification: Likely pathogenic. Last evaluated: 2022-07-11. Review status: criteria provided, single submitter. Criteria: GeneDx Variant Classification Process June 2021. Collection method: clinical testing. Allele origin: germline. Affected: yes.
Comment: Frameshift variant predicted to result in protein truncation; however, other loss-of-function variants have not been reported downstream in HGMD and functional data suggests that this variant may not result in complete nonsense mediated decay (PMID: 22829427); Reported as c.4128insC; observed in unknown phase with c.2570_2571delGCinsAA in a patient with cutis laxa (PMID: 19836010). Of note, the mother was reported to be negative for both variants and the father was not tested.; Not observed at significant frequency in large population cohorts (gnomAD); This variant is associated with the following publications: (PMID: 22829427, 19836010)

OMIM
Classification: Pathogenic for CUTIS LAXA, AUTOSOMAL RECESSIVE, TYPE IC. Last evaluated: 2013-01-01. Review status: no assertion criteria provided. Collection method: literature only. Allele origin: germline. Not counted in ClinVar's aggregate classification.

Literature cited by the submitters: PubMed 22829427 (cited by Labcorp Genetics (formerly Invitae), Labcorp and OMIM); PubMed 19836010 (cited by Labcorp Genetics (formerly Invitae), Labcorp and OMIM); PubMed 25882708 (cited by Labcorp Genetics (formerly Invitae), Labcorp).